The following is an entry in ClinVar:

ClinVar aggregate classification (germline): Pathogenic (1 of 4 stars; one submission).

Allele frequency attached by ClinVar (database versions not stated): TOPMed below 0.00001.

Submission:

Labcorp Genetics (formerly Invitae), Labcorp
Classification: Pathogenic. Last evaluated: 2023-03-08. Review status: criteria provided, single submitter. Criteria: Invitae Variant Classification Sherloc (09022015). Collection method: clinical testing. Allele origin: germline.
Comment: For these reasons, this variant has been classified as Pathogenic. This variant has not been reported in the literature in individuals affected with CPLANE1-related conditions. This variant is not present in population databases (gnomAD no frequency). This sequence change creates a premature translational stop signal (p.Ala1299Glnfs*5) in the CPLANE1 gene. It is expected to result in an absent or disrupted protein product. Loss-of-function variants in CPLANE1 are known to be pathogenic (PMID: 24178751, 26092869).

Literature cited by the submitters: PubMed 24178751; PubMed 26092869.

NM_001384732.1(CPLANE1):c.3895del (p.Ala1299fs)

Gene: CPLANE1 (ciliogenesis and planar polarity effector complex subunit 1; minus strand). Cytogenetic location: 5p13.2.
Variant type: Deletion.
Coding change: c.3895del on transcript NM_001384732.1 (MANE Select); coding-DNA position 3895, one base deleted (G; older notation c.3895delG).
Protein change: p.Ala1299fs; shifts the reading frame from alanine 1299.
Molecular consequence: frameshift variant.
Genome position (GRCh38, 1-based): chr5:37,187,759, C deleted on the plus strand (G on the coding strand, the reverse complement: CPLANE1 is on the minus strand). VCF-style (leftmost placement, unchanged base first): chr5-37187758-GC-G. GRCh37 (hg19) VCF-style: chr5-37187860-GC-G.
Other names: c.3895del, p.Ala1299fs (NM_023073.4); short protein forms A1299fs.
Identifiers: ClinVar variation 2787343 (VCV002787343.3), dbSNP rs1784457199, ClinGen allele CA1539630983.